The following is an entry in ClinVar:

ClinVar aggregate classification (germline): Uncertain significance (1 of 4 stars; one submission).

Submission:

Labcorp Genetics (formerly Invitae), Labcorp
Classification: Uncertain significance. Last evaluated: 2024-01-24. Review status: criteria provided, single submitter. Criteria: Invitae Variant Classification Sherloc (09022015). Collection method: clinical testing. Allele origin: germline.
Comment: This sequence change falls in intron 9 of the FH gene. It does not directly change the encoded amino acid sequence of the FH protein. This variant is not present in population databases (gnomAD no frequency). This variant has not been reported in the literature in individuals affected with FH-related conditions. Algorithms developed to predict the effect of sequence changes on RNA splicing suggest that this variant may disrupt the consensus splice site. In summary, the available evidence is currently insufficient to determine the role of this variant in disease. Therefore, it has been classified as a Variant of Uncertain Significance.

NM_000143.4(FH):c.1391-12T>G

Gene: FH (fumarate hydratase; minus strand). Cytogenetic location: 1q43.
Variant type: single nucleotide variant.
Coding change: c.1391-12T>G on transcript NM_000143.4 (MANE Select); 12 bases into the intron before coding-DNA position 1391, T replaced by G.
Molecular consequence: intron variant.
Genome position (GRCh38, 1-based): chr1:241,497,982, A>C on the plus strand (T>G on the coding strand, the complement: FH is on the minus strand). VCF-style: chr1-241497982-A-C. GRCh37 (hg19) VCF-style: chr1-241661282-A-C.
Identifiers: ClinVar variation 2913688 (VCV002913688.3), dbSNP rs2527308709, ClinGen allele CA2739274031.